The following is an entry in ClinVar:

ClinVar aggregate classification (germline): Likely benign. Review status: criteria provided, multiple submitters, no conflicts (2 of 4 stars). 2 submissions from 2 submitters: Likely benign (2). Last evaluated 2025-12-16.

Conditions:
PHIP-related disorder. Also called: PHIP-related condition; PHIP-related disorders.

gnomAD v4.1: 1 of 1,599,718 alleles (0.000063%); highest among the groups gnomAD compares: Non-Finnish European, 0.000086%; no homozygotes.

Submissions (2):

PreventionGenetics, part of Exact Sciences
Classification: Likely benign for PHIP-related condition. Last evaluated: 2025-12-16. Review status: criteria provided, single submitter. Criteria: ACMG Guidelines, 2015. Collection method: clinical testing. Allele origin: germline.
Comment: This variant is classified as likely benign based on ACMG/AMP sequence variant interpretation guidelines (Richards et al. 2015 PMID: 25741868, with internal and published modifications).

Labcorp Genetics (formerly Invitae), Labcorp
Classification: Likely benign. Last evaluated: 2023-10-13. Review status: criteria provided, single submitter. Criteria: Invitae Variant Classification Sherloc (09022015). Collection method: clinical testing. Allele origin: germline.

NM_017934.7(PHIP):c.924-7A>T

Gene: PHIP (PHIP subunit of CUL4-Ring ligase complex; minus strand). Cytogenetic location: 6q14.1.
Variant type: single nucleotide variant.
Coding change: c.924-7A>T on transcript NM_017934.7 (MANE Select); 7 bases into the intron before coding-DNA position 924, A replaced by T.
Molecular consequence: intron variant.
Genome position (GRCh38, 1-based): chr6:79,019,166, T>A on the plus strand (A>T on the coding strand, the complement: PHIP is on the minus strand). VCF-style: chr6-79019166-T-A. GRCh37 (hg19) VCF-style: chr6-79728883-T-A.
Other names: c.924-7A>T (NM_017934.6).
Identifiers: ClinVar variation 2093845 (VCV002093845.5), dbSNP rs755581829, ClinGen allele CA2580075877.
Genomic context (GRCh38, chr6:79,019,166, plus strand): 5'-CAGATCATTTGAACTCCAGGCCGAGGGCGCTCTGTAAATTTTGCAGGTCTTGGGCTGTAA[T>A]ACAAAAAATAAAGAATTAAAAATATCCTAAAGGAACCAGTAGCAGCAGAAATAATCTGTT-3'